The following is an entry in ClinVar:

ClinVar aggregate classification (germline): Uncertain significance (1 of 4 stars; one submission).

Allele frequency attached by ClinVar (database versions not stated): TOPMed below 0.00001.
gnomAD v4.1: 3 of 1,613,848 alleles (0.00019%); highest among the groups gnomAD compares: Non-Finnish European, 0.00025%; no homozygotes.

Submission:

Labcorp Genetics (formerly Invitae), Labcorp
Classification: Uncertain significance. Last evaluated: 2023-10-06. Review status: criteria provided, single submitter. Criteria: Invitae Variant Classification Sherloc (09022015). Collection method: clinical testing. Allele origin: germline.
Comment: This sequence change replaces valine, which is neutral and non-polar, with leucine, which is neutral and non-polar, at codon 691 of the PACS2 protein (p.Val691Leu). This variant is not present in population databases (gnomAD no frequency). This variant has not been reported in the literature in individuals affected with PACS2-related conditions. Advanced modeling of protein sequence and biophysical properties (such as structural, functional, and spatial information, amino acid conservation, physicochemical variation, residue mobility, and thermodynamic stability) performed at Invitae indicates that this missense variant is not expected to disrupt PACS2 protein function. In summary, the available evidence is currently insufficient to determine the role of this variant in disease. Therefore, it has been classified as a Variant of Uncertain Significance.

NM_001100913.3(PACS2):c.2071G>C (p.Val691Leu)

Gene: PACS2 (phosphofurin acidic cluster sorting protein 2; plus strand). Cytogenetic location: 14q32.33.
Variant type: single nucleotide variant.
Coding change: c.2071G>C on transcript NM_001100913.3 (MANE Select); coding-DNA position 2071, G replaced by C.
Protein change: p.Val691Leu; replaces valine 691 with leucine.
Molecular consequence: missense variant.
Genome position (GRCh38, 1-based): chr14:105,389,998, G>C. VCF-style: chr14-105389998-G-C. GRCh37 (hg19) VCF-style: chr14-105856335-G-C.
Other names: c.1801G>C, p.Val601Leu (NM_001243127.3); c.2026G>C, p.Val676Leu (NM_015197.4); short protein forms V676L, V601L, V691L.
Identifiers: ClinVar variation 2766371 (VCV002766371.3), dbSNP rs2081302898, ClinGen allele CA391185052.